The following is an entry in ClinVar:

ClinVar aggregate classification (germline): Uncertain significance (1 of 4 stars; one submission).

Conditions:
Saldino-Mainzer syndrome (SRTD9). Also called: CONORENAL SYNDROME; Renal dysplasia, retinal pigmentary dystrophy, cerebellar ataxia and skeletal dysplasia; SHORT-RIB THORACIC DYSPLASIA 9 WITHOUT POLYDACTYLY; short-rib thoracic dysplasia 9 with or without polydactyly. Identifiers: Orphanet 140969, MedGen C1849437, MONDO:0009964, OMIM 266920.

Submission:

Labcorp Genetics (formerly Invitae), Labcorp
Classification: Uncertain significance for Saldino-Mainzer syndrome. Last evaluated: 2025-05-31. Review status: criteria provided, single submitter. Criteria: Invitae Variant Classification Sherloc (09022015). Collection method: clinical testing. Allele origin: germline.
Comment: This sequence change replaces methionine, which is neutral and non-polar, with threonine, which is neutral and polar, at codon 810 of the IFT140 protein (p.Met810Thr). This variant is not present in population databases (gnomAD no frequency). This variant has not been reported in the literature in individuals affected with IFT140-related conditions. Invitae Evidence Modeling of protein sequence and biophysical properties (such as structural, functional, and spatial information, amino acid conservation, physicochemical variation, residue mobility, and thermodynamic stability) has been performed for this missense variant. However, the output from this modeling did not meet the statistical confidence thresholds required to predict the impact of this variant on IFT140 protein function. In summary, the available evidence is currently insufficient to determine the role of this variant in disease. Therefore, it has been classified as a Variant of Uncertain Significance.

NM_014714.4(IFT140):c.2429T>C (p.Met810Thr)

Gene: IFT140 (intraflagellar transport 140; minus strand). Cytogenetic location: 16p13.3.
Variant type: single nucleotide variant.
Coding change: c.2429T>C on transcript NM_014714.4 (MANE Select); coding-DNA position 2429, T replaced by C.
Protein change: p.Met810Thr; replaces methionine 810 with threonine.
Molecular consequence: missense variant.
Genome position (GRCh38, 1-based): chr16:1,526,767, A>G on the plus strand (T>C on the coding strand, the complement: IFT140 is on the minus strand). VCF-style: chr16-1526767-A-G. GRCh37 (hg19) VCF-style: chr16-1576768-A-G.
Other names: short protein forms M810T.
Identifiers: ClinVar variation 4769673 (VCV004769673.1).